The following is an entry in ClinVar:

NM_019109.5(ALG1):c.1263G>A (p.Gln421=)

Gene: ALG1 (ALG1 chitobiosyldiphosphodolichol beta-mannosyltransferase; plus strand). Cytogenetic location: 16p13.3.
Variant type: single nucleotide variant.
Coding change: c.1263G>A on transcript NM_019109.5 (MANE Select); coding-DNA position 1263, G replaced by A.
Protein change: p.Gln421=; no amino-acid change (glutamine 421 retained).
Molecular consequence: synonymous variant.
Genome position (GRCh38, 1-based): chr16:5,083,757, G>A. VCF-style: chr16-5083757-G-A. GRCh37 (hg19) VCF-style: chr16-5133758-G-A.
Other names: c.930G>A, p.Gln310= (NM_001330504.2).
Identifiers: ClinVar variation 2736317 (VCV002736317.5), dbSNP rs763496595, ClinGen allele CA7890293.

ClinVar aggregate classification (germline): Pathogenic/Likely pathogenic. Review status: criteria provided, multiple submitters, no conflicts (2 of 4 stars). 2 submissions from 2 submitters: Pathogenic (1); Likely pathogenic (1). Last evaluated 2024-06-18.

Conditions:
ALG1-congenital disorder of glycosylation. Also called: CONGENITAL DISORDER OF GLYCOSYLATION, TYPE Ik; CDG Ik; ALG1-CDG. Identifiers: Orphanet 79327, MedGen C2931005, MONDO:0012052, OMIM 608540.

Allele frequency attached by ClinVar (database versions not stated): ExAC 0.00001; gnomAD exomes 0.00001.
gnomAD v4.1: 10 of 1,597,650 alleles (0.00063%); highest among the groups gnomAD compares: South Asian, 0.0022%; no homozygotes.

Submissions (2):

Labcorp Genetics (formerly Invitae), Labcorp
Classification: Pathogenic for ALG1-congenital disorder of glycosylation. Last evaluated: 2024-06-18. Review status: criteria provided, single submitter. Criteria: Invitae Variant Classification Sherloc (09022015). Collection method: clinical testing. Allele origin: germline.
Comment: This sequence change affects codon 421 of the ALG1 mRNA. It is a 'silent' change, meaning that it does not change the encoded amino acid sequence of the ALG1 protein. This variant also falls at the last nucleotide of exon 12, which is part of the consensus splice site for this exon. This variant is present in population databases (rs763496595, gnomAD 0.003%). This variant has been observed in individual(s) with autosomal recessive congenital disorder of glycosylation type 1K (PMID: 20679665). In at least one individual the data is consistent with being in trans (on the opposite chromosome) from a pathogenic variant. Variants that disrupt the consensus splice site are a relatively common cause of aberrant splicing (PMID: 17576681, 9536098). Algorithms developed to predict the effect of sequence changes on RNA splicing suggest that this variant may disrupt the consensus splice site. For these reasons, this variant has been classified as Pathogenic.

Fulgent Genetics
Classification: Likely pathogenic for ALG1-congenital disorder of glycosylation. Last evaluated: 2024-03-15. Review status: criteria provided, single submitter. Criteria: ACMG Guidelines, 2015. Collection method: clinical testing. Allele origin: germline.

Literature cited by the submitters: PubMed 20679665 (cited by Labcorp Genetics (formerly Invitae), Labcorp); PubMed 17576681 (cited by Labcorp Genetics (formerly Invitae), Labcorp); PubMed 9536098 (cited by Labcorp Genetics (formerly Invitae), Labcorp).